The following is an entry in ClinVar:

ClinVar aggregate classification (germline): Uncertain significance. Review status: criteria provided, multiple submitters, no conflicts (2 of 4 stars). 2 submissions from 2 submitters: Uncertain significance (2). Last evaluated 2023-06-04.

Conditions:
Fanconi anemia complementation group O. Also called: RAD51C-Related Fanconi Anemia. Identifiers: Orphanet 84, MedGen C3150653, MONDO:0013248, OMIM 613390.

Submissions (2):

Labcorp Genetics (formerly Invitae), Labcorp
Classification: Uncertain significance for Fanconi anemia complementation group O. Last evaluated: 2023-06-04. Review status: criteria provided, single submitter. Criteria: Invitae Variant Classification Sherloc (09022015). Collection method: clinical testing. Allele origin: germline.
Comment: This variant is not present in population databases (gnomAD no frequency). This sequence change replaces alanine, which is neutral and non-polar, with valine, which is neutral and non-polar, at codon 266 of the RAD51C protein (p.Ala266Val). This variant has not been reported in the literature in individuals affected with RAD51C-related conditions. In summary, the available evidence is currently insufficient to determine the role of this variant in disease. Therefore, it has been classified as a Variant of Uncertain Significance. Advanced modeling of protein sequence and biophysical properties (such as structural, functional, and spatial information, amino acid conservation, physicochemical variation, residue mobility, and thermodynamic stability) performed at Invitae indicates that this missense variant is not expected to disrupt RAD51C protein function. ClinVar contains an entry for this variant (Variation ID: 1685054).

Mendelics
Classification: Uncertain significance. Last evaluated: 2022-05-04. Review status: criteria provided, single submitter. Criteria: Mendelics Assertion Criteria 2019. Collection method: clinical testing. Allele origin: germline.

NM_058216.3(RAD51C):c.797C>T (p.Ala266Val)

Gene: RAD51C (RAD51 paralog C; plus strand). Cytogenetic location: 17q22.
Variant type: single nucleotide variant.
Coding change: c.797C>T on transcript NM_058216.3 (MANE Select); coding-DNA position 797, C replaced by T.
Protein change: p.Ala266Val; replaces alanine 266 with valine.
Molecular consequence: missense variant. On other transcripts: non-coding transcript variant (1).
Genome position (GRCh38, 1-based): chr17:58,709,950, C>T. VCF-style: chr17-58709950-C-T. GRCh37 (hg19) VCF-style: chr17-56787311-C-T.
Other names: short protein forms A266V.
Identifiers: ClinVar variation 1685054 (VCV001685054.4), dbSNP rs1555599239, ClinGen allele CA400354115.